The following is an entry in ClinVar:

NM_020987.5(ANK3):c.815T>C (p.Leu272Ser)

Gene: ANK3 (ankyrin 3; minus strand). Cytogenetic location: 10q21.2.
Variant type: single nucleotide variant.
Coding change: c.815T>C on transcript NM_020987.5 (MANE Select); coding-DNA position 815, T replaced by C.
Protein change: p.Leu272Ser; replaces leucine 272 with serine.
Molecular consequence: missense variant.
Genome position (GRCh38, 1-based): chr10:60,234,770, A>G on the plus strand (T>C on the coding strand, the complement: ANK3 is on the minus strand). VCF-style: chr10-60234770-A-G. GRCh37 (hg19) VCF-style: chr10-61994528-A-G.
Other names: c.797T>C, p.Leu266Ser (NM_001204403.2); c.764T>C, p.Leu255Ser (NM_001204404.2); c.815T>C, p.Leu272Ser (NM_001320874.2); short protein forms L255S, L266S, L272S.
Identifiers: ClinVar variation 3066308 (VCV003066308.1), dbSNP rs1461585626, ClinGen allele CA376988659.
Genomic context (GRCh38, chr10:60,234,770, plus strand): 5'-GCTCCTCGATCGAGCAATAGTTTTACCATATTTGCATTTCCTCTTTTTGATGCAACATGT[A>G]AAGGAGTGATGTCATTCTGGGAAGAAGAGGAAAAAGTACAGATTTGATATTTTTGGTTTC-3'
Protein context (NP_066267.2, residues 262-282): DFTARNDITP[Leu272Ser]HVASKRGNAN

ClinVar aggregate classification (germline): Uncertain significance (1 of 4 stars; one submission).

Conditions:
Intellectual developmental disorder, autosomal recessive 37. Also called: Intellectual disability-hypotonia-spasticity-sleep disorder syndrome. Identifiers: Orphanet 356996, MedGen C3809672, MONDO:0014210, OMIM 615493.

Allele frequency attached by ClinVar (database versions not stated): gnomAD exomes below 0.00001.
gnomAD v4.1: 1 of 1,610,412 alleles (0.000062%); highest among the groups gnomAD compares: Admixed American, 0.0017%; no homozygotes.

Submission:

MVZ Medizinische Genetik Mainz
Classification: Uncertain significance for Intellectual developmental disorder, autosomal recessive 37. Last evaluated: 2023-11-17. Review status: criteria provided, single submitter. Criteria: UK Practice Guidelines For Variant Classification V4 01 2020. Collection method: clinical testing. Allele origin: germline. Inheritance: Autosomal dominant inheritance. Affected: yes. Observed: 1 variant allele.
Comment: ACMG Criteria: PM2_SUP,PP3